The following is an entry in ClinVar:

NM_018194.6(HHAT):c.1207C>T (p.Arg403Trp)

Gene: HHAT (hedgehog acyltransferase; plus strand). Cytogenetic location: 1q32.2.
Variant type: single nucleotide variant.
Coding change: c.1207C>T on transcript NM_018194.6 (MANE Select); coding-DNA position 1207, C replaced by T.
Protein change: p.Arg403Trp; replaces arginine 403 with tryptophan.
Molecular consequence: missense variant.
Genome position (GRCh38, 1-based): chr1:210,588,061, C>T. VCF-style: chr1-210588061-C-T. GRCh37 (hg19) VCF-style: chr1-210761405-C-T.
Other names: c.1207C>T, p.Arg403Trp (NM_001122834.4, NM_001170580.3); c.796C>T, p.Arg266Trp (NM_001170564.3); c.1210C>T, p.Arg404Trp (NM_001170587.3); c.1012C>T, p.Arg338Trp (NM_001170588.3); short protein forms R266W, R338W, R403W, R404W.
Identifiers: ClinVar variation 2350511 (VCV002350511.19), dbSNP rs144274904, ClinGen allele CA1379395.

ClinVar aggregate classification (germline): Uncertain significance. Review status: criteria provided, multiple submitters, no conflicts (2 of 4 stars). 2 submissions from 2 submitters: Uncertain significance (2). Last evaluated 2024-07-01.

Allele frequency attached by ClinVar (database versions not stated): 1000 Genomes Project 30x 0.00016; ExAC 0.00016; gnomAD exomes 0.00016; 1000 Genomes Project 0.00020; gnomAD 0.00036; TOPMed 0.00039; ESP Exome Variant Server 0.00046.

Submissions (2):

CeGaT Center for Human Genetics Tuebingen
Classification: Uncertain significance. Last evaluated: 2024-07-01. Review status: criteria provided, single submitter. Criteria: CeGaT Center For Human Genetics Tuebingen Variant Classification Criteria Version 2. Collection method: clinical testing. Allele origin: germline. Affected: yes. Observed: 1 variant allele.
Comment: HHAT: PM2, BP4

Ambry Genetics
Classification: Uncertain significance. Last evaluated: 2024-01-23. Review status: criteria provided, single submitter. Criteria: Ambry Variant Classification Scheme 2023. Collection method: clinical testing. Allele origin: germline.